The following is an entry in ClinVar:

NM_000245.4(MET):c.17T>G (p.Val6Gly)

Gene: MET (MET proto-oncogene, receptor tyrosine kinase; plus strand). Cytogenetic location: 7q31.2.
Variant type: single nucleotide variant.
Coding change: c.17T>G on transcript NM_000245.4 (MANE Select); coding-DNA position 17, T replaced by G.
Protein change: p.Val6Gly; replaces valine 6 with glycine.
Molecular consequence: missense variant. On other transcripts: intron variant (1).
Genome position (GRCh38, 1-based): chr7:116,699,101, T>G. VCF-style: chr7-116699101-T-G. GRCh37 (hg19) VCF-style: chr7-116339155-T-G.
Other names: c.17T>G, p.Val6Gly (NM_001127500.3, NM_001324401.3); c.-91+26524T>G (NM_001324402.2); short protein forms V6G.
Identifiers: ClinVar variation 2919100 (VCV002919100.3), dbSNP rs950885374, ClinGen allele CA164887563.

ClinVar aggregate classification (germline): Uncertain significance (1 of 4 stars; one submission).

Conditions:
Renal cell carcinoma. Identifiers: Orphanet 217071, MedGen C0007134, MeSH D002292, MONDO:0005086, HP:0005584.

Allele frequency attached by ClinVar (database versions not stated): gnomAD 0.00001; TOPMed 0.00001.
gnomAD v4.1: 1 of 1,613,768 alleles (0.000062%); highest among the groups gnomAD compares: African/African-American, 0.0013%; no homozygotes.

Submission:

Labcorp Genetics (formerly Invitae), Labcorp
Classification: Uncertain significance for Renal cell carcinoma. Last evaluated: 2023-07-09. Review status: criteria provided, single submitter. Criteria: Invitae Variant Classification Sherloc (09022015). Collection method: clinical testing. Allele origin: germline.
Comment: In summary, the available evidence is currently insufficient to determine the role of this variant in disease. Therefore, it has been classified as a Variant of Uncertain Significance. An algorithm developed to predict the effect of missense changes on protein structure and function (PolyPhen-2) suggests that this variant is likely to be tolerated. This variant has not been reported in the literature in individuals affected with MET-related conditions. This variant is present in population databases (no rsID available, gnomAD 0.007%). This sequence change replaces valine, which is neutral and non-polar, with glycine, which is neutral and non-polar, at codon 6 of the MET protein (p.Val6Gly).